The following is an entry in ClinVar:

ClinVar aggregate classification (germline): Likely pathogenic. Review status: criteria provided, multiple submitters, no conflicts (2 of 4 stars). 2 submissions from 2 submitters: Likely pathogenic (2). Last evaluated 2025-05-07.

Conditions:
Hypertrophic cardiomyopathy 1 (CMH1). Also called: Familial hypertrophic cardiomyopathy 1; MYH7-Related Familial Hypertrophic Cardiomyopathy. Identifiers: MedGen C3495498, MONDO:0008647, OMIM 192600.

Submissions (2):

Institute of Human Genetics, University of Leipzig Medical Center
Classification: Likely pathogenic for Hypertrophic cardiomyopathy 1. Last evaluated: 2025-05-07. Review status: criteria provided, single submitter. Criteria: ACMG Guidelines, 2015. Collection method: clinical testing. Allele origin: de novo. Inheritance: Autosomal dominant inheritance. Affected: yes.
Comment: Criteria applied: PS2,PM1,PM2,PM5,PP3

Clinical Genetics Service, Universitary Hospital 12 de Octubre
Classification: Likely pathogenic for Hypertrophic cardiomyopathy 1. Review status: criteria provided, single submitter. Criteria: ACMG Guidelines, 2015. Collection method: clinical testing. Allele origin: germline. Affected: yes.

NM_000257.4(MYH7):c.2782G>C (p.Asp928His)

Gene: MYH7 (myosin heavy chain 7; minus strand). Cytogenetic location: 14q11.2.
Variant type: single nucleotide variant.
Coding change: c.2782G>C on transcript NM_000257.4 (MANE Select); coding-DNA position 2782, G replaced by C.
Protein change: p.Asp928His; replaces aspartic acid 928 with histidine.
Molecular consequence: missense variant.
Genome position (GRCh38, 1-based): chr14:23,424,047, C>G on the plus strand (G>C on the coding strand, the complement: MYH7 is on the minus strand). VCF-style: chr14-23424047-C-G. GRCh37 (hg19) VCF-style: chr14-23893256-C-G.
Other names: c.2782G>C, p.Asp928His (NM_001407004.1); c.2782G>C (NM_000257.3); short protein forms D928H.
Identifiers: ClinVar variation 3901169 (VCV003901169.2).